The following is an entry in ClinVar:

ClinVar aggregate classification (germline): Uncertain significance (1 of 4 stars; one submission).

Submission:

Ambry Genetics
Classification: Uncertain significance. Last evaluated: 2022-02-17. Review status: criteria provided, single submitter. Criteria: Ambry Variant Classification Scheme 2023. Collection method: clinical testing. Allele origin: germline.
Comment: The p.T1513I variant (also known as c.4538C>T), located in coding exon 40 of the KIF1B gene, results from a C to T substitution at nucleotide position 4538. The threonine at codon 1513 is replaced by isoleucine, an amino acid with similar properties. This amino acid position is conserved. In addition, the in silico prediction for this alteration is inconclusive. Since supporting evidence is limited at this time, the clinical significance of this alteration remains unclear.

NM_001365951.3(KIF1B):c.4676C>T (p.Thr1559Ile)

Gene: KIF1B (kinesin family member 1B; plus strand). Cytogenetic location: 1p36.22.
Variant type: single nucleotide variant.
Coding change: c.4676C>T on transcript NM_001365951.3 (MANE Select); coding-DNA position 4676, C replaced by T.
Protein change: p.Thr1559Ile; replaces threonine 1559 with isoleucine.
Molecular consequence: missense variant.
Genome position (GRCh38, 1-based): chr1:10,365,572, C>T. VCF-style: chr1-10365572-C-T. GRCh37 (hg19) VCF-style: chr1-10425630-C-T.
Other names: c.4676C>T, p.Thr1559Ile (NM_001365952.1); c.4538C>T, p.Thr1513Ile (NM_015074.3); short protein forms T1513I, T1559I.
Identifiers: ClinVar variation 1741308 (VCV001741308.2), dbSNP rs2521915737, ClinGen allele CA338322260.
Genomic context (GRCh38, chr1:10,365,572, plus strand): 5'-TCAGCACCTCCACCAGTATCTCCTCTCAGATCTCAACCACTACCTTTGAAAGCGCCATCA[C>T]ACCTAGCGAGAGCAGTGGCTATGATTCAGGAGACATCGAAAGCCTGGTGGACCGAGAGAA-3'
Protein context (NP_001352880.1, residues 1549-1569): ISTTTFESAI[Thr1559Ile]PSESSGYDSG